The following is an entry in ClinVar:

NM_004168.4(SDHA):c.1024G>C (p.Val342Leu)

Gene: SDHA (succinate dehydrogenase complex flavoprotein subunit A; plus strand). Cytogenetic location: 5p15.33.
Variant type: single nucleotide variant.
Coding change: c.1024G>C on transcript NM_004168.4 (MANE Select); coding-DNA position 1024, G replaced by C.
Protein change: p.Val342Leu; replaces valine 342 with leucine.
Molecular consequence: missense variant.
Genome position (GRCh38, 1-based): chr5:233,605, G>C. VCF-style: chr5-233605-G-C. GRCh37 (hg19) VCF-style: chr5-233720-G-C.
Other names: c.880G>C, p.Val294Leu (NM_001294332.2); c.1024G>C, p.Val342Leu (NM_001330758.2); short protein forms V294L, V342L.
Identifiers: ClinVar variation 1360101 (VCV001360101.8), dbSNP rs1735562520, ClinGen allele CA359012904.

ClinVar aggregate classification (germline): Uncertain significance (1 of 4 stars; one submission).

Conditions:
Mitochondrial complex II deficiency, nuclear type 1. Also called: SUCCINATE CoQ REDUCTASE DEFICIENCY. Identifiers: Orphanet 3208, MedGen C5700310, MONDO:0100294, OMIM 252011.
Pheochromocytoma/paraganglioma syndrome 5. Also called: Paragangliomas 5; SDHA-Related Hereditary Paraganglioma-Pheochromocytoma Syndrome. Identifiers: Orphanet 29072, MedGen C3279992, MONDO:0013602, OMIM 614165.

Submission:

Labcorp Genetics (formerly Invitae), Labcorp
Classification: Uncertain significance for Pheochromocytoma/paraganglioma syndrome 5; Mitochondrial complex II deficiency, nuclear type 1. Last evaluated: 2023-06-30. Review status: criteria provided, single submitter. Criteria: Invitae Variant Classification Sherloc (09022015). Collection method: clinical testing. Allele origin: germline.
Comment: This sequence change replaces valine, which is neutral and non-polar, with leucine, which is neutral and non-polar, at codon 342 of the SDHA protein (p.Val342Leu). This variant is not present in population databases (gnomAD no frequency). This variant has not been reported in the literature in individuals affected with SDHA-related conditions. ClinVar contains an entry for this variant (Variation ID: 1360101). Advanced modeling of protein sequence and biophysical properties (such as structural, functional, and spatial information, amino acid conservation, physicochemical variation, residue mobility, and thermodynamic stability) performed at Invitae indicates that this missense variant is not expected to disrupt SDHA protein function. In summary, the available evidence is currently insufficient to determine the role of this variant in disease. Therefore, it has been classified as a Variant of Uncertain Significance.